The following is an entry in ClinVar:

ClinVar aggregate classification (germline): Likely pathogenic (1 of 4 stars; one submission).

Submission:

Labcorp Genetics (formerly Invitae), Labcorp
Classification: Likely pathogenic. Last evaluated: 2023-05-25. Review status: criteria provided, single submitter. Criteria: Invitae Variant Classification Sherloc (09022015). Collection method: clinical testing. Allele origin: germline.
Comment: In summary, the currently available evidence indicates that the variant is pathogenic, but additional data are needed to prove that conclusively. Therefore, this variant has been classified as Likely Pathogenic. This variant disrupts the p.Asn1805 amino acid residue in ABCA4. Other variant(s) that disrupt this residue have been determined to be pathogenic (PMID: 18334942, 19243736; Invitae). This suggests that this residue is clinically significant, and that variants that disrupt this residue are likely to be disease-causing. Advanced modeling of protein sequence and biophysical properties (such as structural, functional, and spatial information, amino acid conservation, physicochemical variation, residue mobility, and thermodynamic stability) performed at Invitae indicates that this missense variant is expected to disrupt ABCA4 protein function. This variant has not been reported in the literature in individuals affected with ABCA4-related conditions. This variant is not present in population databases (gnomAD no frequency). This sequence change replaces asparagine, which is neutral and polar, with serine, which is neutral and polar, at codon 1805 of the ABCA4 protein (p.Asn1805Ser).

Literature cited by the submitters: PubMed 18334942; PubMed 19243736.

NM_000350.3(ABCA4):c.5414A>G (p.Asn1805Ser)

Gene: ABCA4 (ATP binding cassette subfamily A member 4; minus strand). Cytogenetic location: 1p22.1.
Variant type: single nucleotide variant.
Coding change: c.5414A>G on transcript NM_000350.3 (MANE Select); coding-DNA position 5414, A replaced by G.
Protein change: p.Asn1805Ser; replaces asparagine 1805 with serine.
Molecular consequence: missense variant.
Genome position (GRCh38, 1-based): chr1:94,014,589, T>C on the plus strand (A>G on the coding strand, the complement: ABCA4 is on the minus strand). VCF-style: chr1-94014589-T-C. GRCh37 (hg19) VCF-style: chr1-94480145-T-C.
Other names: c.5192A>G, p.Asn1731Ser (NM_001425324.1); short protein forms N1731S, N1805S.
Identifiers: ClinVar variation 2863949 (VCV002863949.3), dbSNP rs2523668584, ClinGen allele CA341281327.
Genomic context (GRCh38, chr1:94,014,589, plus strand): 5'-AAAGTTATGCTCACCCGGTTATTCTCAAATAATTCCAAGATGAAGGTAATAGCACTGCTG[T>C]TGATGCCGATGAACAGATTAGCACAAGATAAAGCCACATAGGCTGTGCTGGGGACATCAA-3'
Protein context (NP_000341.2, residues 1795-1815): LSCANLFIGI[Asn1805Ser]SSAITFILEL